The following is an entry in ClinVar:

NM_000368.5(TSC1):c.2033A>T (p.His678Leu)

Gene: TSC1 (TSC complex subunit 1; minus strand). Cytogenetic location: 9q34.13.
Variant type: single nucleotide variant.
Coding change: c.2033A>T on transcript NM_000368.5 (MANE Select); coding-DNA position 2033, A replaced by T.
Protein change: p.His678Leu; replaces histidine 678 with leucine.
Molecular consequence: missense variant.
Genome position (GRCh38, 1-based): chr9:132,904,419, T>A on the plus strand (A>T on the coding strand, the complement: TSC1 is on the minus strand). VCF-style: chr9-132904419-T-A. GRCh37 (hg19) VCF-style: chr9-135779806-T-A.
Other names: c.2030A>T, p.His677Leu (NM_001162426.2); c.1880A>T, p.His627Leu (NM_001162427.2); c.1670A>T, p.His557Leu (NM_001362177.2); short protein forms H627L, H677L, H557L, H678L.
Identifiers: ClinVar variation 820566 (VCV000820566.18), dbSNP rs745413532, ClinGen allele CA200887452.
Genomic context (GRCh38, chr9:132,904,419, plus strand): 5'-AAGCAAGCAGGAACCATGTGGGCTGGATTTGGAGCTAAAGTAACAACTTTACCTCCAAAG[T>A]GGGTCCAGTCGACAGACTTGCTGGGTAAAGGCAACCTAGGAAGAAAGTTTTTGAGTAACA-3'
Protein context (NP_000359.1, residues 668-688): PLPSKSVDWT[His678Leu]FGGSPPSDEI

ClinVar aggregate classification (germline): Conflicting classifications of pathogenicity. Review status: criteria provided, conflicting classifications (1 of 4 stars). 4 submissions from 4 submitters: Uncertain significance (3); Likely benign (1). Last evaluated 2026-09-14.

Conditions:
Hereditary cancer-predisposing syndrome. Also called: Tumor predisposition; Hereditary Cancer Syndrome; Neoplastic Syndromes, Hereditary; Hereditary neoplastic syndrome. Identifiers: Orphanet 140162, MedGen C0027672, MeSH D009386, MONDO:0015356.
Tuberous sclerosis 1 (TSC1). Identifiers: Orphanet 805, MedGen C1854465, MONDO:0008612, OMIM 191100.

Allele frequency attached by ClinVar (database versions not stated): gnomAD 0.00001; TOPMed 0.00002.
gnomAD v4.1: 3 of 1,613,938 alleles (0.00019%); highest among the groups gnomAD compares: Non-Finnish European, 0.00025%; no homozygotes.

Submissions (4):

Ambry Genetics
Classification: Uncertain significance for Hereditary cancer-predisposing syndrome. Last evaluated: 2026-09-14. Review status: criteria provided, single submitter. Criteria: Ambry Variant Classification Scheme 2023. Collection method: clinical testing. Allele origin: germline.
Comment: The p.H678L variant (also known as c.2033A>T), located in coding exon 14 of the TSC1 gene, results from an A to T substitution at nucleotide position 2033. The histidine at codon 678 is replaced by leucine, an amino acid with similar properties. This variant was detected in individual(s) with no reported features of tuberous sclerosis complex (TSC) (Ambry internal data). This amino acid position is highly conserved in available vertebrate species. In addition, this alteration is predicted to be deleterious by in silico analysis. Based on the available evidence, the clinical significance of this variant remains unclear.

Labcorp Genetics (formerly Invitae), Labcorp
Classification: Likely benign for Tuberous sclerosis 1. Last evaluated: 2025-09-18. Review status: criteria provided, single submitter. Criteria: Invitae Variant Classification Sherloc (09022015). Collection method: clinical testing. Allele origin: germline.

Quest Diagnostics Nichols Institute San Juan Capistrano
Classification: Uncertain significance. Last evaluated: 2023-12-27. Review status: criteria provided, single submitter. Criteria: Quest Diagnostics criteria. Collection method: clinical testing. Allele origin: unknown.

Genome-Nilou Lab
Classification: Uncertain significance for Tuberous sclerosis 1. Last evaluated: 2021-11-07. Review status: criteria provided, single submitter. Criteria: ACMG Guidelines, 2015. Collection method: clinical testing. Allele origin: germline. Affected: no.